The following is an entry in ClinVar:

NM_002485.5(NBN):c.2154_2155insGGAA (p.Leu719fs)

Gene: NBN (nibrin; minus strand). Cytogenetic location: 8q21.3.
Variant type: Insertion.
Coding change: c.2154_2155insGGAA on transcript NM_002485.5 (MANE Select); coding-DNA positions 2154 to 2155, GGAA inserted.
Protein change: p.Leu719fs; shifts the reading frame from leucine 719.
Molecular consequence: frameshift variant.
Genome position: GRCh38 VCF-style: chr8-89943282-G-GTTCC. GRCh37 (hg19) VCF-style: chr8-90955510-G-GTTCC.
Other names: c.1908_1909insGGAA, p.Leu637fs (NM_001024688.3); short protein forms L637fs, L719fs.
Identifiers: ClinVar variation 1518547 (VCV001518547.6), dbSNP rs2130755457, ClinGen allele CA2573143329.

ClinVar aggregate classification (germline): Likely pathogenic (1 of 4 stars; one submission).

Conditions:
Microcephaly, normal intelligence and immunodeficiency (NBS). Also called: BERLIN BREAKAGE SYNDROME; Nijmegen breakage syndrome; Microcephaly with normal intelligence immunodeficiency and lymphoreticular malignancies; Nonsyndromal microcephaly autosomal recessive with normal intelligence; Seemanova syndrome 2; Ataxia telangiectasia variant V1. Identifiers: Orphanet 647, MedGen C0398791, MONDO:0009623, OMIM 251260.

Submission:

Labcorp Genetics (formerly Invitae), Labcorp
Classification: Likely pathogenic for Microcephaly, normal intelligence and immunodeficiency. Last evaluated: 2021-10-08. Review status: criteria provided, single submitter. Criteria: Invitae Variant Classification Sherloc (09022015). Collection method: clinical testing. Allele origin: germline.
Comment: In summary, the currently available evidence indicates that the variant is pathogenic, but additional data are needed to prove that conclusively. Therefore, this variant has been classified as Likely Pathogenic. This variant disrupts a region of the NBN protein in which other variant(s) (p.Gln732*) have been determined to be pathogenic (PMID: 15048089, 15964794, 21035407, 24894818, 26681312; Invitae). This suggests that this is a clinically significant region of the protein, and that variants that disrupt it are likely to be disease-causing. This variant has not been reported in the literature in individuals affected with NBN-related conditions. This variant is not present in population databases (ExAC no frequency). This sequence change creates a premature translational stop signal (p.Leu719Glyfs*24) in the NBN gene. While this is not anticipated to result in nonsense mediated decay, it is expected to disrupt the last 36 amino acid(s) of the NBN protein.

Literature cited by the submitters: PubMed 15048089; PubMed 15964794; PubMed 21035407; PubMed 24894818; PubMed 26681312.